The following is an entry in ClinVar:

ClinVar aggregate classification (germline): Uncertain significance (1 of 4 stars; one submission).

Submission:

Labcorp Genetics (formerly Invitae), Labcorp
Classification: Uncertain significance. Last evaluated: 2025-12-18. Review status: criteria provided, single submitter. Criteria: Invitae Variant Classification Sherloc (09022015). Collection method: clinical testing. Allele origin: germline.
Comment: This sequence change replaces tyrosine, which is neutral and polar, with cysteine, which is neutral and slightly polar, at codon 344 of the VCAN protein (p.Tyr344Cys). This variant is not present in population databases (gnomAD no frequency). This variant has not been reported in the literature in individuals affected with VCAN-related conditions. An algorithm developed to predict the effect of missense changes on protein structure and function (PolyPhen-2) suggests that this variant is likely to be disruptive. In summary, the available evidence is currently insufficient to determine the role of this variant in disease. Therefore, it has been classified as a Variant of Uncertain Significance.

NM_004385.5(VCAN):c.1031A>G (p.Tyr344Cys)

Gene: VCAN (versican; plus strand). Cytogenetic location: 5q14.3.
Variant type: single nucleotide variant.
Coding change: c.1031A>G on transcript NM_004385.5 (MANE Select); coding-DNA position 1031, A replaced by G.
Protein change: p.Tyr344Cys; replaces tyrosine 344 with cysteine.
Molecular consequence: missense variant.
Genome position (GRCh38, 1-based): chr5:83,512,385, A>G. VCF-style: chr5-83512385-A-G. GRCh37 (hg19) VCF-style: chr5-82808204-A-G.
Other names: c.1031A>G, p.Tyr344Cys (NM_001126336.3, NM_001164097.2, NM_001164098.2); short protein forms Y344C.
Identifiers: ClinVar variation 4732977 (VCV004732977.1).
Genomic context (GRCh38, chr5:83,512,385, plus strand): 5'-CCCTGTATCGTTTTGAGAACCAGACAGGCTTCCCTCCCCCTGATAGCAGATTTGATGCCT[A>G]CTGCTTTAAACGTAAGTGTTTGATACCTTTTTAAAAATTACAGTTTTAAAAAAAATGCTT-3'
Protein context (NP_004376.2, residues 334-354): FPPPDSRFDA[Tyr344Cys]CFKPKEATTI